The following is an entry in ClinVar:

ClinVar aggregate classification (germline): Uncertain significance. Review status: criteria provided, multiple submitters, no conflicts (2 of 4 stars). 2 submissions from 2 submitters: Uncertain significance (2). Last evaluated 2023-06-04.

Allele frequency attached by ClinVar (database versions not stated): gnomAD 0.00006; TOPMed 0.00006; ExAC 0.00009; ESP Exome Variant Server 0.00015.
gnomAD v4.1: 140 of 1,614,030 alleles (0.0087%); highest among the groups gnomAD compares: Non-Finnish European, 0.012%; no homozygotes.

Submissions (2):

GeneDx
Classification: Uncertain significance. Last evaluated: 2023-06-04. Review status: criteria provided, single submitter. Criteria: GeneDx Variant Classification Process June 2021. Collection method: clinical testing. Allele origin: germline. Affected: yes.
Comment: In silico analysis supports that this missense variant does not alter protein structure/function; Has not been previously published as pathogenic or benign to our knowledge

Labcorp Genetics (formerly Invitae), Labcorp
Classification: Uncertain significance. Last evaluated: 2022-02-25. Review status: criteria provided, single submitter. Criteria: Invitae Variant Classification Sherloc (09022015). Collection method: clinical testing. Allele origin: germline.
Comment: This sequence change replaces threonine, which is neutral and polar, with serine, which is neutral and polar, at codon 449 of the ZNF341 protein (p.Thr449Ser). This variant is present in population databases (rs143337863, gnomAD 0.01%). This variant has not been reported in the literature in individuals affected with ZNF341-related conditions. Algorithms developed to predict the effect of missense changes on protein structure and function (SIFT, PolyPhen-2, Align-GVGD) all suggest that this variant is likely to be tolerated. In summary, the available evidence is currently insufficient to determine the role of this variant in disease. Therefore, it has been classified as a Variant of Uncertain Significance.

NM_001282933.2(ZNF341):c.1367C>G (p.Thr456Ser)

Gene: ZNF341 (zinc finger protein 341; plus strand). Cytogenetic location: 20q11.22.
Variant type: single nucleotide variant.
Coding change: c.1367C>G on transcript NM_001282933.2 (MANE Select); coding-DNA position 1367, C replaced by G.
Protein change: p.Thr456Ser; replaces threonine 456 with serine.
Molecular consequence: missense variant. On other transcripts: non-coding transcript variant (1).
Genome position (GRCh38, 1-based): chr20:33,766,995, C>G. VCF-style: chr20-33766995-C-G. GRCh37 (hg19) VCF-style: chr20-32354801-C-G.
Other names: c.1097C>G, p.Thr366Ser (NM_001282935.2); c.1346C>G, p.Thr449Ser (NM_032819.5); c.1346C>G (NM_032819.4); short protein forms T366S, T449S, T456S.
Identifiers: ClinVar variation 1407307 (VCV001407307.6), dbSNP rs143337863, ClinGen allele CA9819421.